The following is an entry in ClinVar:

ClinVar aggregate classification (germline): Pathogenic (1 of 4 stars; one submission).

Submission:

Labcorp Genetics (formerly Invitae), Labcorp
Classification: Pathogenic. Last evaluated: 2025-08-21. Review status: criteria provided, single submitter. Criteria: Invitae Variant Classification Sherloc (09022015). Collection method: clinical testing. Allele origin: germline.
Comment: This sequence change creates a premature translational stop signal (p.Pro299Leufs*5) in the SLC24A5 gene. It is expected to result in an absent or disrupted protein product. Loss-of-function variants in SLC24A5 are known to be pathogenic (PMID: 23985994, 26686029). This variant is present in population databases (rs762506377, gnomAD 0.002%). This variant has not been reported in the literature in individuals affected with SLC24A5-related conditions. For these reasons, this variant has been classified as Pathogenic.

Literature cited by the submitters: PubMed 23985994; PubMed 26686029.

NM_205850.3(SLC24A5):c.896del (p.Pro299fs)

Genes: MYEF2 (myelin expression factor 2; minus strand), SLC24A5 (solute carrier family 24 member 5; plus strand). Cytogenetic location: 15q21.1.
Variant type: Deletion.
Coding change: c.896del on transcript NM_205850.3 (MANE Select); coding-DNA position 896, one base deleted (C; older notation c.896delC).
Protein change: p.Pro299fs; shifts the reading frame from proline 299.
Molecular consequence: frameshift variant. On other transcripts: 3 prime UTR variant (2).
Genome position (GRCh38, 1-based): chr15:48,138,993, C deleted; the last of 2 consecutive C bases (chr15:48,138,992-48,138,993); deleting either gives the same sequence. VCF-style (leftmost placement, unchanged base first): chr15-48138991-GC-G. GRCh37 (hg19) VCF-style: chr15-48431188-GC-G.
Other names: c.*3916del (NM_001301210.2, NM_016132.5); short protein forms P299fs.
Identifiers: ClinVar variation 4749328 (VCV004749328.1).
Genomic context (GRCh38, chr15:48,138,991, plus strand): 5'-TTGAGAAAACTCAAAAGTGTTTACTTTTTCCACAACAGATCCACCAAGTGTTTTCAACAT[GC>G]CTGAAGCAGACTTAAAAAGAATTTTTTGGGTATTATCCCTTCCTATTATTACATTACTTT-3'